The following is an entry in ClinVar:

NM_018897.3(DNAH7):c.3139A>G (p.Asn1047Asp)

Gene: DNAH7 (dynein axonemal heavy chain 7; minus strand). Cytogenetic location: 2q32.3.
Variant type: single nucleotide variant.
Coding change: c.3139A>G on transcript NM_018897.3 (MANE Select); coding-DNA position 3139, A replaced by G.
Protein change: p.Asn1047Asp; replaces asparagine 1047 with aspartic acid.
Molecular consequence: missense variant.
Genome position (GRCh38, 1-based): chr2:195,936,732, T>C on the plus strand (A>G on the coding strand, the complement: DNAH7 is on the minus strand). VCF-style: chr2-195936732-T-C. GRCh37 (hg19) VCF-style: chr2-196801456-T-C.
Other names: short protein forms N1047D.
Identifiers: ClinVar variation 3368346 (VCV003368346.1).

ClinVar aggregate classification (germline): Uncertain significance (1 of 4 stars; one submission).

gnomAD v4.1: 23 of 1,600,280 alleles (0.0014%); highest among the groups gnomAD compares: Middle Eastern, 0.017%; no homozygotes.

Submission:

GeneDx
Classification: Uncertain significance. Last evaluated: 2024-01-26. Review status: criteria provided, single submitter. Criteria: GeneDx Variant Classification Process June 2021. Collection method: clinical testing. Allele origin: germline. Affected: yes.
Comment: In silico analysis supports that this missense variant has a deleterious effect on protein structure/function; Has not been previously published as pathogenic or benign to our knowledge